The following is an entry in ClinVar:

NM_003114.5(SPAG1):c.626C>T (p.Ala209Val)

Gene: SPAG1 (sperm associated antigen 1; plus strand). Cytogenetic location: 8q22.2.
Variant type: single nucleotide variant.
Coding change: c.626C>T on transcript NM_003114.5 (MANE Select); coding-DNA position 626, C replaced by T.
Protein change: p.Ala209Val; replaces alanine 209 with valine.
Molecular consequence: missense variant.
Genome position (GRCh38, 1-based): chr8:100,184,658, C>T. VCF-style: chr8-100184658-C-T. GRCh37 (hg19) VCF-style: chr8-101196886-C-T.
Other names: c.626C>T, p.Ala209Val (NM_001374321.1, NM_172218.3); short protein forms A209V.
Identifiers: ClinVar variation 3719211 (VCV003719211.1).

ClinVar aggregate classification (germline): Uncertain significance (1 of 4 stars; one submission).

Conditions:
Primary ciliary dyskinesia 28. Also called: CILIARY DYSKINESIA, PRIMARY, 28, WITH OR WITHOUT SITUS INVERSUS. Identifiers: Orphanet 244, MedGen C3809706, MONDO:0014216, OMIM 615505.

gnomAD v4.1: 4 of 1,580,998 alleles (0.00025%); highest among the groups gnomAD compares: African/African-American, 0.0014%; no homozygotes.

Submission:

Labcorp Genetics (formerly Invitae), Labcorp
Classification: Uncertain significance for Primary ciliary dyskinesia 28. Last evaluated: 2024-02-17. Review status: criteria provided, single submitter. Criteria: Invitae Variant Classification Sherloc (09022015). Collection method: clinical testing. Allele origin: germline.
Comment: This sequence change replaces alanine, which is neutral and non-polar, with valine, which is neutral and non-polar, at codon 209 of the SPAG1 protein (p.Ala209Val). The frequency data for this variant in the population databases is considered unreliable, as metrics indicate poor data quality at this position in the gnomAD database. This variant has not been reported in the literature in individuals affected with SPAG1-related conditions. Advanced modeling of protein sequence and biophysical properties (such as structural, functional, and spatial information, amino acid conservation, physicochemical variation, residue mobility, and thermodynamic stability) performed at Invitae indicates that this missense variant is expected to disrupt SPAG1 protein function with a positive predictive value of 80%. In summary, the available evidence is currently insufficient to determine the role of this variant in disease. Therefore, it has been classified as a Variant of Uncertain Significance.